The following is an entry in ClinVar:

ClinVar aggregate classification (germline): Uncertain significance (1 of 4 stars; one submission).

Submission:

CeGaT Center for Human Genetics Tuebingen
Classification: Uncertain significance. Last evaluated: 2023-09-01. Review status: criteria provided, single submitter. Criteria: CeGaT Center For Human Genetics Tuebingen Variant Classification Criteria Version 2. Collection method: clinical testing. Allele origin: germline. Affected: yes. Observed: 1 variant allele.
Comment: SORCS2: PM2, PP2

NM_020777.3(SORCS2):c.59C>G (p.Pro20Arg)

Gene: SORCS2 (sortilin related VPS10 domain containing receptor 2; plus strand). Cytogenetic location: 4p16.1.
Variant type: single nucleotide variant.
Coding change: c.59C>G on transcript NM_020777.3 (MANE Select); coding-DNA position 59, C replaced by G.
Protein change: p.Pro20Arg; replaces proline 20 with arginine.
Molecular consequence: missense variant.
Genome position (GRCh38, 1-based): chr4:7,192,705, C>G. VCF-style: chr4-7192705-C-G. GRCh37 (hg19) VCF-style: chr4-7194432-C-G.
Other names: short protein forms P20R.
Identifiers: ClinVar variation 2654633 (VCV002654633.24), dbSNP rs1249364874, ClinGen allele CA356275647.